The following is an entry in ClinVar:

ClinVar aggregate classification (germline): Uncertain significance. Review status: criteria provided, multiple submitters, no conflicts (2 of 4 stars). 2 submissions from 2 submitters: Uncertain significance (2). Last evaluated 2023-04-15.

Conditions:
Hereditary nonpolyposis colorectal neoplasms. Identifiers: MedGen C0009405, MeSH D003123.
Hereditary cancer-predisposing syndrome. Also called: Neoplastic Syndromes, Hereditary; Tumor predisposition; Hereditary Cancer Syndrome; Hereditary neoplastic syndrome. Identifiers: Orphanet 140162, MedGen C0027672, MeSH D009386, MONDO:0015356.

Allele frequency attached by ClinVar (database versions not stated): gnomAD 0.00001.
gnomAD v4.1: 1 of 1,613,998 alleles (0.000062%); highest among the groups gnomAD compares: Non-Finnish European, 0.000085%; no homozygotes.

Submissions (2):

Labcorp Genetics (formerly Invitae), Labcorp
Classification: Uncertain significance for Hereditary nonpolyposis colorectal neoplasms. Last evaluated: 2023-04-15. Review status: criteria provided, single submitter. Criteria: Invitae Variant Classification Sherloc (09022015). Collection method: clinical testing. Allele origin: germline.
Comment: This sequence change replaces serine, which is neutral and polar, with phenylalanine, which is neutral and non-polar, at codon 254 of the MSH6 protein (p.Ser254Phe). In summary, the available evidence is currently insufficient to determine the role of this variant in disease. Therefore, it has been classified as a Variant of Uncertain Significance. This variant is not present in population databases (gnomAD no frequency). Advanced modeling of protein sequence and biophysical properties (such as structural, functional, and spatial information, amino acid conservation, physicochemical variation, residue mobility, and thermodynamic stability) performed at Invitae indicates that this missense variant is not expected to disrupt MSH6 protein function. ClinVar contains an entry for this variant (Variation ID: 231494). This variant has not been reported in the literature in individuals affected with MSH6-related conditions.

Ambry Genetics
Classification: Uncertain significance for Hereditary cancer-predisposing syndrome. Last evaluated: 2022-02-28. Review status: criteria provided, single submitter. Criteria: Ambry Variant Classification Scheme 2023. Collection method: clinical testing. Allele origin: germline.
Comment: The p.S254F variant (also known as c.761C>T), located in coding exon 4 of the MSH6 gene, results from a C to T substitution at nucleotide position 761. The serine at codon 254 is replaced by phenylalanine, an amino acid with highly dissimilar properties. This amino acid position is highly conserved in available vertebrate species. In addition, the in silico prediction for this alteration is inconclusive. Since supporting evidence is limited at this time, the clinical significance of this alteration remains unclear.

NM_000179.3(MSH6):c.761C>T (p.Ser254Phe)

Gene: MSH6 (mutS homolog 6; plus strand). Cytogenetic location: 2p16.3.
Variant type: single nucleotide variant.
Coding change: c.761C>T on transcript NM_000179.3 (MANE Select); coding-DNA position 761, C replaced by T.
Protein change: p.Ser254Phe; replaces serine 254 with phenylalanine.
Molecular consequence: missense variant. On other transcripts: 5 prime UTR variant (2).
Genome position (GRCh38, 1-based): chr2:47,798,744, C>T. VCF-style: chr2-47798744-C-T. GRCh37 (hg19) VCF-style: chr2-48025883-C-T.
Other names: c.371C>T, p.Ser124Phe (NM_001281492.2); c.-146C>T (NM_001281493.2, NM_001281494.2); short protein forms S254F, S124F.
Identifiers: ClinVar variation 231494 (VCV000231494.8), dbSNP rs876659191, ClinGen allele CA10578043.